The following is an entry in ClinVar:

ClinVar aggregate classification (germline): Likely benign (1 of 4 stars; one submission).

Allele frequency attached by ClinVar (database versions not stated): gnomAD exomes 0.00016; 1000 Genomes Project 30x 0.00031; gnomAD 0.00048; TOPMed 0.00090.
gnomAD v4.1: 285 of 1,470,094 alleles (0.019%); highest among the groups gnomAD compares: Admixed American, 0.6%; 2 homozygotes.

Submission:

CeGaT Center for Human Genetics Tuebingen
Classification: Likely benign. Last evaluated: 2026-09-01. Review status: criteria provided, single submitter. Criteria: CeGaT Center For Human Genetics Tuebingen Variant Classification Criteria Version 2. Collection method: clinical testing. Allele origin: germline. Affected: yes. Observed: 8 variant alleles.
Comment: SETD1B: BP4, BP7

NM_001353345.2(SETD1B):c.2307C>T (p.Gly769=)

Gene: SETD1B (SET domain containing 1B, histone lysine methyltransferase; plus strand). Cytogenetic location: 12q24.31.
Variant type: single nucleotide variant.
Coding change: c.2307C>T on transcript NM_001353345.2 (MANE Select); coding-DNA position 2307, C replaced by T.
Protein change: p.Gly769=; no amino-acid change (glycine 769 retained).
Molecular consequence: synonymous variant.
Genome position (GRCh38, 1-based): chr12:121,814,522, C>T. VCF-style: chr12-121814522-C-T. GRCh37 (hg19) VCF-style: chr12-122252428-C-T.
Identifiers: ClinVar variation 2643446 (VCV002643446.24), dbSNP rs756951883, ClinGen allele CA6838939.